The following is an entry in ClinVar:

ClinVar aggregate classification (germline): Uncertain significance (1 of 4 stars; one submission).

Conditions:
Intellectual developmental disorder, autosomal dominant 52. Also called: Mental retardation, autosomal dominant 52; Intellectual disability, autosomal dominant 52. Identifiers: MedGen C4540478, MONDO:0030918, OMIM 617796.

Submission:

Baylor Genetics
Classification: Uncertain significance for Intellectual developmental disorder, autosomal dominant 52. Last evaluated: 2018-05-25. Review status: criteria provided, single submitter. Criteria: ACMG Guidelines, 2015. Collection method: clinical testing. Allele origin: unknown. Affected: yes.
Comment: This variant was determined to be of uncertain significance according to ACMG Guidelines, 2015 [PMID:25741868].

NM_018489.3(ASH1L):c.1404TGT[1] (p.Val470del)

Gene: ASH1L (ASH1 like histone lysine methyltransferase; minus strand). Cytogenetic location: 1q22.
Variant type: Microsatellite.
Coding change: c.1404TGT[1] on transcript NM_018489.3 (MANE Select); one copy of the 3-base unit TGT starting at c.1404; the reference has two copies in a row; one copy, 3 bases deleted.
Protein change: p.Val470del; deletes valine 470.
Molecular consequence: inframe deletion.
Genome position (GRCh38, 1-based): chr1:155,481,461-155,481,463, ACA deleted on the plus strand (TGT on the coding strand, the reverse complement: ASH1L is on the minus strand); deleting any 3 consecutive bases within chr1:155,481,461-155,481,466 gives the same sequence; the position shown is the placement nearest the transcript's 3' end. VCF-style (leftmost placement, unchanged base first): chr1-155481460-TACA-T. GRCh37 (hg19) VCF-style: chr1-155451251-TACA-T.
Other names: c.1404TGT[1], p.Val470del (NM_001366177.2); short protein forms V470del.
Identifiers: ClinVar variation 1033488 (VCV001033488.1), dbSNP rs754036049, ClinGen allele CA1147359.